The following is an entry in ClinVar:

NM_016222.4(DDX41):c.953T>G (p.Val318Gly)

Gene: DDX41 (DEAD-box helicase 41; minus strand). Cytogenetic location: 5q35.3.
Variant type: single nucleotide variant.
Coding change: c.953T>G on transcript NM_016222.4 (MANE Select); coding-DNA position 953, T replaced by G.
Protein change: p.Val318Gly; replaces valine 318 with glycine.
Molecular consequence: missense variant.
Genome position (GRCh38, 1-based): chr5:177,513,830, A>C on the plus strand (T>G on the coding strand, the complement: DDX41 is on the minus strand). VCF-style: chr5-177513830-A-C. GRCh37 (hg19) VCF-style: chr5-176940831-A-C.
Other names: c.575T>G, p.Val192Gly (NM_001321732.2, NM_001321830.2); short protein forms V192G, V318G.
Identifiers: ClinVar variation 3676597 (VCV003676597.2).

ClinVar aggregate classification (germline): Uncertain significance (1 of 4 stars; one submission).

gnomAD v4.1: 2 of 1,613,502 alleles (0.00012%); highest among the groups gnomAD compares: Non-Finnish European, 0.00017%; no homozygotes.

Submission:

Labcorp Genetics (formerly Invitae), Labcorp
Classification: Uncertain significance. Last evaluated: 2024-09-21. Review status: criteria provided, single submitter. Criteria: Invitae Variant Classification Sherloc (09022015). Collection method: clinical testing. Allele origin: germline.
Comment: This sequence change replaces valine, which is neutral and non-polar, with glycine, which is neutral and non-polar, at codon 318 of the DDX41 protein (p.Val318Gly). This variant is not present in population databases (gnomAD no frequency). This variant has not been reported in the literature in individuals affected with DDX41-related conditions. An algorithm developed to predict the effect of missense changes on protein structure and function (PolyPhen-2) suggests that this variant is likely to be disruptive. In summary, the available evidence is currently insufficient to determine the role of this variant in disease. Therefore, it has been classified as a Variant of Uncertain Significance.